The following is an entry in ClinVar:

NM_005629.4(SLC6A8):c.1245C>G (p.Leu415=)

Gene: SLC6A8 (solute carrier family 6 member 8; plus strand). Cytogenetic location: Xq28.
Variant type: single nucleotide variant.
Coding change: c.1245C>G on transcript NM_005629.4 (MANE Select); coding-DNA position 1245, C replaced by G.
Protein change: p.Leu415=; no amino-acid change (leucine 415 retained).
Molecular consequence: synonymous variant.
Genome position (GRCh38, 1-based): chrX:153,694,008, C>G. VCF-style: chrX-153694008-C-G. GRCh37 (hg19) VCF-style: chrX-152959463-C-G.
Other names: c.1215C>G, p.Leu405= (NM_001142805.2); c.900C>G, p.Leu300= (NM_001142806.1).
Identifiers: ClinVar variation 682144 (VCV000682144.9), dbSNP rs782030501, ClinGen allele CA415086621.

ClinVar aggregate classification (germline): Likely benign. Review status: criteria provided, multiple submitters, no conflicts (2 of 4 stars). 2 submissions from 2 submitters: Likely benign (2). Last evaluated 2020-08-20.

Conditions:
Creatine transporter deficiency (CCDS1). Also called: Mental retardation , X-linked with seizures, short stature and midface hypoplasia; Mental retardation , X-linked, with creatine transport deficiency; X-linked creatine transporter deficiency; X-linked creatine deficiency syndrome; SLC6A8-Related Creatine Transporter Deficiency; CREATINE TRANSPORTER DEFECT. Identifiers: Orphanet 52503, MedGen C1845862, MONDO:0010305, OMIM 300352.

Submissions (2):

Labcorp Genetics (formerly Invitae), Labcorp
Classification: Likely benign for Creatine transporter deficiency. Last evaluated: 2020-08-20. Review status: criteria provided, single submitter. Criteria: Invitae Variant Classification Sherloc (09022015). Collection method: clinical testing. Allele origin: germline.

GeneDx
Classification: Likely benign. Last evaluated: 2018-04-25. Review status: criteria provided, single submitter. Criteria: GeneDx Variant Classification (06012015). Collection method: clinical testing. Allele origin: germline. Affected: yes.
Comment: This variant is considered likely benign or benign based on one or more of the following criteria: it is a conservative change, it occurs at a poorly conserved position in the protein, it is predicted to be benign by multiple in silico algorithms, and/or has population frequency not consistent with disease.